The following is an entry in ClinVar:

ClinVar aggregate classification (germline): Likely benign (1 of 4 stars; one submission).

gnomAD v4.1: 26 of 1,612,680 alleles (0.0016%); highest among the groups gnomAD compares: East Asian, 0.029%; no homozygotes.

Submission:

CeGaT Center for Human Genetics Tuebingen
Classification: Likely benign. Last evaluated: 2026-09-01. Review status: criteria provided, single submitter. Criteria: CeGaT Center For Human Genetics Tuebingen Variant Classification Criteria Version 2. Collection method: clinical testing. Allele origin: germline. Affected: yes. Observed: 1 variant allele.
Comment: DOT1L: BP4, BS2

NM_032482.3(DOT1L):c.1771G>A (p.Ala591Thr)

Genes: DOT1L (DOT1 like histone lysine methyltransferase; plus strand), DOT1L-AS1 (DOT1L antisense RNA 1; minus strand). Cytogenetic location: 19p13.3.
Variant type: single nucleotide variant.
Coding change: c.1771G>A on transcript NM_032482.3 (MANE Select); coding-DNA position 1771, G replaced by A.
Protein change: p.Ala591Thr; replaces alanine 591 with threonine.
Molecular consequence: missense variant.
Genome position (GRCh38, 1-based): chr19:2,213,960, G>A. VCF-style: chr19-2213960-G-A. GRCh37 (hg19) VCF-style: chr19-2213959-G-A.
Other names: c.1771G>A, p.Ala591Thr (NM_001411141.1); short protein forms A591T.
Identifiers: ClinVar variation 5041299 (VCV005041299.1).